The following is an entry in ClinVar:

ClinVar aggregate classification (germline): Uncertain significance (1 of 4 stars; one submission).

Submission:

GeneDx
Classification: Uncertain significance. Last evaluated: 2026-07-22. Review status: criteria provided, single submitter. Criteria: GeneDx Variant Classification Process June 2021. Collection method: clinical testing. Allele origin: germline.
Comment: Not observed at significant frequency in large population cohorts (gnomAD); In silico analysis suggests that this missense variant does not alter protein structure/function; Has not been previously published as pathogenic or benign to our knowledge

NM_001356.5(DDX3X):c.443A>G (p.Gln148Arg)

Gene: DDX3X (DEAD-box helicase 3 X-linked; plus strand). Cytogenetic location: Xp11.4.
Variant type: single nucleotide variant.
Coding change: c.443A>G on transcript NM_001356.5 (MANE Select); coding-DNA position 443, A replaced by G.
Protein change: p.Gln148Arg; replaces glutamine 148 with arginine.
Molecular consequence: missense variant. On other transcripts: 5 prime UTR variant (1), non-coding transcript variant (1).
Genome position (GRCh38, 1-based): chrX:41,342,653, A>G. VCF-style: chrX-41342653-A-G. GRCh37 (hg19) VCF-style: chrX-41201906-A-G.
Other names: c.443A>G, p.Gln148Arg (NM_001193416.3); c.395A>G, p.Gln132Arg (NM_001193417.3); c.-116A>G (NM_001363819.1); short protein forms Q148R, Q132R.
Identifiers: ClinVar variation 420298 (VCV000420298.3), dbSNP rs1064794404, ClinGen allele CA16621381.